The following is an entry in ClinVar:

ClinVar aggregate classification (germline): Uncertain significance (1 of 4 stars; one submission).

Submission:

GeneDx
Classification: Uncertain significance. Last evaluated: 2026-04-13. Review status: criteria provided, single submitter. Criteria: GeneDx Variant Classification Process June 2021. Collection method: clinical testing. Allele origin: germline.
Comment: Not observed at significant frequency in large population cohorts (gnomAD); In silico analysis supports that this missense variant has a deleterious effect on protein structure/function; Has not been previously published as pathogenic or benign to our knowledge

NM_001367873.1(SOX6):c.472T>G (p.Ser158Ala)

Gene: SOX6 (SRY-box transcription factor 6; minus strand). Cytogenetic location: 11p15.2.
Variant type: single nucleotide variant.
Coding change: c.472T>G on transcript NM_001367873.1 (MANE Select); coding-DNA position 472, T replaced by G.
Protein change: p.Ser158Ala; replaces serine 158 with alanine.
Molecular consequence: missense variant.
Genome position (GRCh38, 1-based): chr11:16,234,645, A>C on the plus strand (T>G on the coding strand, the complement: SOX6 is on the minus strand). VCF-style: chr11-16234645-A-C. GRCh37 (hg19) VCF-style: chr11-16256191-A-C.
Other names: c.472T>G, p.Ser158Ala (NM_001145811.2, NM_001145819.2, NM_001367872.1 and 2 more transcripts); short protein forms S158A.
Identifiers: ClinVar variation 5037141 (VCV005037141.1).